The following is an entry in ClinVar:

ClinVar aggregate classification (germline): Uncertain significance. Review status: criteria provided, multiple submitters, no conflicts (2 of 4 stars). 3 submissions from 3 submitters: Uncertain significance (3). Last evaluated 2024-04-01.

Conditions:
Combined immunodeficiency due to STIM1 deficiency. Also called: IMMUNODEFICIENCY 10; STIM1 DEFICIENCY. Identifiers: Orphanet 169090, Orphanet 317430, MedGen C2748557, MONDO:0013008, OMIM 612783.
Stormorken syndrome (STRMK). Also called: THROMBOCYTOPATHY, ASPLENIA, AND MIOSIS. Identifiers: Orphanet 3204, MedGen C1861451, MONDO:0008497, OMIM 185070.
Myopathy with tubular aggregates (TAM). Also called: Tubular Aggregate Myopathy. Identifiers: Orphanet 2593, MedGen C0410207, MONDO:0008051.

Allele frequency attached by ClinVar (database versions not stated): gnomAD exomes below 0.00001; TOPMed 0.00001.
gnomAD v4.1: 3 of 1,614,144 alleles (0.00019%); highest among the groups gnomAD compares: Non-Finnish European, 0.00025%; no homozygotes.

Submissions (3):

CeGaT Center for Human Genetics Tuebingen
Classification: Uncertain significance. Last evaluated: 2024-04-01. Review status: criteria provided, single submitter. Criteria: CeGaT Center For Human Genetics Tuebingen Variant Classification Criteria Version 2. Collection method: clinical testing. Allele origin: germline. Affected: yes. Observed: 1 variant allele.
Comment: STIM1: PM2

Labcorp Genetics (formerly Invitae), Labcorp
Classification: Uncertain significance for Myopathy with tubular aggregates; Combined immunodeficiency due to STIM1 deficiency; Stormorken syndrome. Last evaluated: 2023-12-26. Review status: criteria provided, single submitter. Criteria: Invitae Variant Classification Sherloc (09022015). Collection method: clinical testing. Allele origin: germline.
Comment: This sequence change replaces valine, which is neutral and non-polar, with isoleucine, which is neutral and non-polar, at codon 3 of the STIM1 protein (p.Val3Ile). This variant is not present in population databases (gnomAD no frequency). This variant has not been reported in the literature in individuals affected with STIM1-related conditions. ClinVar contains an entry for this variant (Variation ID: 403496). Advanced modeling of protein sequence and biophysical properties (such as structural, functional, and spatial information, amino acid conservation, physicochemical variation, residue mobility, and thermodynamic stability) has been performed at Invitae for this missense variant, however the output from this modeling did not meet the statistical confidence thresholds required to predict the impact of this variant on STIM1 protein function. In summary, the available evidence is currently insufficient to determine the role of this variant in disease. Therefore, it has been classified as a Variant of Uncertain Significance.

Laboratory for Molecular Medicine, Mass General Brigham Personalized Medicine
Classification: Uncertain significance. Last evaluated: 2016-03-28. Review status: criteria provided, single submitter. Criteria: LMM Criteria. Collection method: clinical testing. Allele origin: germline.
Comment: Variant identified in a genome or exome case(s) and assessed due to predicted null impact of the variant or pathogenic assertions in the literature or databases. Disclaimer: This variant has not undergone full assessment. The following are preliminary notes: Gene associated with primary immunodeficiency 10, but not evidence to support this variant

NM_001382567.1(STIM1):c.7G>A (p.Val3Ile)

Genes: STIM1 (stromal interaction molecule 1; plus strand), LOC130005165 (ATAC-STARR-seq lymphoblastoid active region 4312; plus strand). Cytogenetic location: 11p15.4.
Variant type: single nucleotide variant.
Coding change: c.7G>A on transcript NM_001382567.1 (MANE Select); coding-DNA position 7, G replaced by A.
Protein change: p.Val3Ile; replaces valine 3 with isoleucine.
Molecular consequence: missense variant. On other transcripts: initiator codon variant (1), 5 prime UTR variant (1), non-coding transcript variant (3), intron variant (10).
Genome position (GRCh38, 1-based): chr11:3,856,277, G>A. VCF-style: chr11-3856277-G-A. GRCh37 (hg19) VCF-style: chr11-3877507-G-A.
Other names: c.7G>A, p.Val3Ile (NM_001277961.3, NM_001277962.2, NM_001382568.1 and 3 more transcripts); c.3G>A, p.Met1Ile (NM_001382569.1); c.-231G>A (NM_001382571.1); c.-84+1541G>A (NM_001382578.1, NM_001382575.1, NM_001382574.1); c.-220+1541G>A (NM_001382580.1, NM_001382581.1); c.-84+1623G>A (NM_001382576.1); c.-84+861G>A (NM_001382566.1, NM_001382579.1, NM_001382577.1 and 1 more transcripts); short protein forms V3I, M1I.
Identifiers: ClinVar variation 403496 (VCV000403496.31), dbSNP rs1060499904, ClinGen allele CA16609753.